The following is an entry in ClinVar:

ClinVar aggregate classification (germline): Likely pathogenic (1 of 4 stars; one submission).

Conditions:
Congenital hyperammonemia, type I. Also called: Carbamoyl-phosphate synthase I deficiency; Carbamoyl phosphate synthetase 1 deficiency; Hyperammonemia due to carbamoyl phosphate synthetase 1 deficiency; CPS 1 deficiency; Carbamyl phosphate synthetase (CPS) deficiency; CPS I DEFICIENCY. Identifiers: Orphanet 147, MedGen C4082171, MONDO:0009376, OMIM 237300.

Submission:

Labcorp Genetics (formerly Invitae), Labcorp
Classification: Likely pathogenic for Congenital hyperammonemia, type I. Last evaluated: 2023-01-28. Review status: criteria provided, single submitter. Criteria: Invitae Variant Classification Sherloc (09022015). Collection method: clinical testing. Allele origin: germline.
Comment: Algorithms developed to predict the effect of sequence changes on RNA splicing suggest that this variant may disrupt the consensus splice site. In summary, the currently available evidence indicates that the variant is pathogenic, but additional data are needed to prove that conclusively. Therefore, this variant has been classified as Likely Pathogenic. This variant has not been reported in the literature in individuals affected with CPS1-related conditions. This variant is not present in population databases (gnomAD no frequency). This sequence change affects an acceptor splice site in intron 12 of the CPS1 gene. It is expected to disrupt RNA splicing. Variants that disrupt the donor or acceptor splice site typically lead to a loss of protein function (PMID: 16199547), and loss-of-function variants in CPS1 are known to be pathogenic (PMID: 21120950).

Literature cited by the submitters: PubMed 16199547; PubMed 21120950.

NM_001875.5(CPS1):c.1264-1G>T

Gene: CPS1 (carbamoyl-phosphate synthase 1; plus strand). Cytogenetic location: 2q34.
Variant type: single nucleotide variant.
Coding change: c.1264-1G>T on transcript NM_001875.5 (MANE Select); the canonical splice acceptor site of the intron before coding-DNA position 1264, G replaced by T.
Molecular consequence: splice acceptor variant.
Genome position (GRCh38, 1-based): chr2:210,595,486, G>T. VCF-style: chr2-210595486-G-T. GRCh37 (hg19) VCF-style: chr2-211460210-G-T.
Other names: c.1264-1G>T (NM_001369257.1, NM_001122633.3); c.1297-1G>T (NM_001369256.1).
Identifiers: ClinVar variation 2832496 (VCV002832496.3), dbSNP rs2469136211, ClinGen allele CA350432914.